The following is an entry in ClinVar:

ClinVar aggregate classification (germline): Likely benign. Review status: criteria provided, multiple submitters, no conflicts (2 of 4 stars). 3 submissions from 3 submitters: Likely benign (2). 1 of the submissions does not count toward it. Last evaluated 2026-07-01.

Conditions:
KMT2E-related disorder. Also called: KMT2E-related condition.

Allele frequency attached by ClinVar (database versions not stated): ExAC 0.00012; TOPMed 0.00020; gnomAD 0.00023; gnomAD exomes 0.00042; ESP Exome Variant Server 0.00054.
gnomAD v4.1: 648 of 1,613,442 alleles (0.04%); highest among the groups gnomAD compares: Non-Finnish European, 0.052%; no homozygotes.

Submissions (3):

CeGaT Center for Human Genetics Tuebingen
Classification: Likely benign. Last evaluated: 2026-07-01. Review status: criteria provided, single submitter. Criteria: CeGaT Center For Human Genetics Tuebingen Variant Classification Criteria Version 2. Collection method: clinical testing. Allele origin: germline. Affected: yes. Observed: 1 variant allele.
Comment: KMT2E: BP4, BP7

Labcorp Genetics (formerly Invitae), Labcorp
Classification: Likely benign. Last evaluated: 2025-11-02. Review status: criteria provided, single submitter. Criteria: Invitae Variant Classification Sherloc (09022015). Collection method: clinical testing. Allele origin: germline.

PreventionGenetics, part of Exact Sciences
Classification: Likely benign for KMT2E-related condition. Last evaluated: 2023-12-07. Review status: no assertion criteria provided. Collection method: clinical testing. Allele origin: germline. Not counted in ClinVar's aggregate classification.
Comment: This variant is classified as likely benign based on ACMG/AMP sequence variant interpretation guidelines (Richards et al. 2015 PMID: 25741868, with internal and published modifications).

NM_182931.3(KMT2E):c.1446T>C (p.Asn482=)

Gene: KMT2E (lysine methyltransferase 2E (inactive); plus strand). Cytogenetic location: 7q22.3.
Variant type: single nucleotide variant.
Coding change: c.1446T>C on transcript NM_182931.3 (MANE Select); coding-DNA position 1446, T replaced by C.
Protein change: p.Asn482=; no amino-acid change (asparagine 482 retained).
Molecular consequence: synonymous variant.
Genome position (GRCh38, 1-based): chr7:105,090,096, T>C. VCF-style: chr7-105090096-T-C. GRCh37 (hg19) VCF-style: chr7-104730543-T-C.
Other names: c.1446T>C (NM_182931.2); c.1446T>C, p.Asn482= (NM_001410908.1, NM_018682.4).
Identifiers: ClinVar variation 2070417 (VCV002070417.7), dbSNP rs138172976, ClinGen allele CA4423998.